The following is an entry in ClinVar:

ClinVar aggregate classification (germline): Uncertain significance (1 of 4 stars; one submission).

Submission:

GeneDx
Classification: Uncertain significance. Last evaluated: 2022-06-28. Review status: criteria provided, single submitter. Criteria: GeneDx Variant Classification Process June 2021. Collection method: clinical testing. Allele origin: germline. Affected: yes.
Comment: Not observed at significant frequency in large population cohorts (gnomAD); Nonsense variant predicted to result in protein truncation or nonsense mediated decay in a gene or region of a gene for which loss of function is not a well-established mechanism of disease; Has not been previously published as pathogenic or benign to our knowledge

NM_001999.4(FBN2):c.529C>T (p.Gln177Ter)

Gene: FBN2 (fibrillin 2; minus strand). Cytogenetic location: 5q23.3.
Variant type: single nucleotide variant.
Coding change: c.529C>T on transcript NM_001999.4 (MANE Select); coding-DNA position 529, C replaced by T.
Protein change: p.Gln177Ter; replaces glutamine 177 with a stop codon.
Molecular consequence: nonsense.
Genome position (GRCh38, 1-based): chr5:128,527,875, G>A on the plus strand (C>T on the coding strand, the complement: FBN2 is on the minus strand). VCF-style: chr5-128527875-G-A. GRCh37 (hg19) VCF-style: chr5-127863568-G-A.
Other names: short protein forms Q177*.
Identifiers: ClinVar variation 1809931 (VCV001809931.1), dbSNP rs2479812804, ClinGen allele CA360758475.
Genomic context (GRCh38, chr5:128,527,875, plus strand): 5'-ACTTAATATGAAATATCCACCAAATCAAATGATTTCTAATAAATCAATGTCCCTTACGTT[G>A]TCCACAATAAGTTCCAATATATCCTTTCTGGCACTGGCAGTGGTCATCTGCACAGGTCCC-3'